The following is an entry in ClinVar:

ClinVar aggregate classification (germline): Conflicting classifications of pathogenicity. Review status: criteria provided, conflicting classifications (1 of 4 stars). 2 submissions from 2 submitters: Likely pathogenic (1); Uncertain significance (1). Last evaluated 2025-02-04.

Conditions:
Trichothiodystrophy 5, nonphotosensitive (TTD5). Identifiers: Orphanet 33364, MedGen C4225420, MONDO:0010495, OMIM 300953.

Submissions (2):

GeneDx
Classification: Likely pathogenic. Last evaluated: 2025-02-04. Review status: criteria provided, single submitter. Criteria: GeneDx Variant Classification Process June 2021. Collection method: clinical testing. Allele origin: germline. Affected: yes.
Comment: Not observed at significant frequency in large population cohorts (gnomAD); In silico analysis supports that this missense variant has a deleterious effect on protein structure/function; Has not been previously published as pathogenic or benign to our knowledge

Illumina Laboratory Services, Illumina
Classification: Uncertain significance for Trichothiodystrophy 5, nonphotosensitive. Last evaluated: 2022-04-18. Review status: criteria provided, single submitter. Criteria: ICSLVariantClassificationCriteria RUGD 01 April 2020. Collection method: clinical testing. Allele origin: unknown.
Comment: The RNF113A c.860T>C (p.Leu287Pro) missense variant results in the substitution of leucine at amino acid position 287 with proline. To our knowledge, this variant has not been reported in the peer-reviewed literature. This variant is not found in version 2.1.1 or version 3.1.2 of the Genome Aggregation Database. The variant is located in the RING domain, which is associated with ubiquitination (Brickner et al. 2017). In silico tools, including REVEL, consistently predict the variant to have deleterious effect. Based on the available evidence, the c.860T>C (p.Leu287Pro) variant is classified as variant of uncertain significance for trichothiodystrophy.

Literature cited by the submitters: PubMed 29144457 (cited by Illumina Laboratory Services, Illumina).

NM_006978.3(RNF113A):c.860T>C (p.Leu287Pro)

Gene: RNF113A (ring finger protein 113A; minus strand). Cytogenetic location: Xq24.
Variant type: single nucleotide variant.
Coding change: c.860T>C on transcript NM_006978.3 (MANE Select); coding-DNA position 860, T replaced by C.
Protein change: p.Leu287Pro; replaces leucine 287 with proline.
Molecular consequence: missense variant.
Genome position (GRCh38, 1-based): chrX:119,870,754, A>G on the plus strand (T>C on the coding strand, the complement: RNF113A is on the minus strand). VCF-style: chrX-119870754-A-G. GRCh37 (hg19) VCF-style: chrX-119004717-A-G.
Other names: short protein forms L287P.
Identifiers: ClinVar variation 1312234 (VCV001312234.5), dbSNP rs2147812233, ClinGen allele CA414186689.
Genomic context (GRCh38, chrX:119,870,754, plus strand): 5'-AAGACGCCATTGGTCTGCTGGTCACAGACATAGCAGCGCGGGGTGGTGCGGAAATGCTGC[A>G]GTGCACAGCTCTCGCAGAAATAATGCCTGCACTTGGTGACAACTGGGTTTTGGAAGCTCT-3'
Protein context (NP_008909.1, residues 277-297): CRHYFCESCA[Leu287Pro]QHFRTTPRCY